The following is an entry in ClinVar:

NM_007294.4(BRCA1):c.3299G>A (p.Gly1100Glu)

Genes: BRCA1 (BRCA1 DNA repair associated; minus strand), LOC126862571 (BRD4-independent group 4 enhancer GRCh37_chr17:41243136-41244335; plus strand). Cytogenetic location: 17q21.31.
Variant type: single nucleotide variant.
Coding change: c.3299G>A on transcript NM_007294.4 (MANE Select); coding-DNA position 3299, G replaced by A.
Protein change: p.Gly1100Glu; replaces glycine 1100 with glutamic acid.
Molecular consequence: missense variant. On other transcripts: intron variant (137).
Genome position (GRCh38, 1-based): chr17:43,092,232, C>T on the plus strand (G>A on the coding strand, the complement: BRCA1 is on the minus strand). VCF-style: chr17-43092232-C-T. GRCh37 (hg19) VCF-style: chr17-41244249-C-T.
Other names: c.3173G>A, p.Gly1058Glu (NM_001407687.1, NM_001407688.1, NM_001407689.1 and 11 more transcripts); c.3158G>A, p.Gly1053Glu (NM_001407697.1, NM_001407694.1, NM_001407695.1 and 29 more transcripts); c.788-1200G>A (NM_001407977.1, NM_001407982.1, NM_001407970.1 and 17 more transcripts); c.647-1200G>A (NM_001408410.1, NM_001408458.1, NM_001408469.1 and 11 more transcripts); c.710-1200G>A (NM_001408415.1, NM_001408412.1, NM_001408409.1 and 2 more transcripts); c.578-1200G>A (NM_001408483.1, NM_001408481.1, NM_001408480.1 and 9 more transcripts); c.665-1200G>A (NM_001408442.1, NM_001408426.1, NM_001408436.1 and 12 more transcripts); c.3086G>A, p.Gly1029Glu (NM_001407571.1, NM_001407853.1, NM_001407894.1 and 9 more transcripts); and 41 more; short protein forms G1073E, G804E, G973E, G1052E, G1099E, G988E, G989E, G1012E.
Identifiers: ClinVar variation 2765028 (VCV002765028.3), dbSNP rs2154330690, ClinGen allele CA10595391.

ClinVar aggregate classification (germline): Uncertain significance (1 of 4 stars; one submission).

Conditions:
Hereditary breast ovarian cancer syndrome. Also called: Hereditary breast and ovarian cancer syndrome; Hereditary breast and/or ovarian cancer syndrome; BRCA1- and BRCA2-Associated Hereditary Breast and Ovarian Cancer; Hereditary breast and ovarian cancer; Breast and ovarian cancer; Hereditary breast and ovarian cancer syndrome (HBOC). Identifiers: Orphanet 145, MedGen C0677776, MeSH D061325, MONDO:0003582. Disease mechanism: loss of function.

Submission:

Labcorp Genetics (formerly Invitae), Labcorp
Classification: Uncertain significance for Hereditary breast ovarian cancer syndrome. Last evaluated: 2023-10-04. Review status: criteria provided, single submitter. Criteria: Invitae Variant Classification Sherloc (09022015). Collection method: clinical testing. Allele origin: germline.
Comment: This sequence change replaces glycine, which is neutral and non-polar, with glutamic acid, which is acidic and polar, at codon 1100 of the BRCA1 protein (p.Gly1100Glu). This variant is not present in population databases (gnomAD no frequency). This variant has not been reported in the literature in individuals affected with BRCA1-related conditions. Advanced modeling of protein sequence and biophysical properties (such as structural, functional, and spatial information, amino acid conservation, physicochemical variation, residue mobility, and thermodynamic stability) performed at Invitae indicates that this missense variant is not expected to disrupt BRCA1 protein function. In summary, the available evidence is currently insufficient to determine the role of this variant in disease. Therefore, it has been classified as a Variant of Uncertain Significance.